The following is an entry in ClinVar:

NM_000274.4(OAT):c.533G>A (p.Trp178Ter)

Gene: OAT (ornithine aminotransferase; minus strand). Cytogenetic location: 10q26.13.
Variant type: single nucleotide variant.
Coding change: c.533G>A on transcript NM_000274.4 (MANE Select); coding-DNA position 533, G replaced by A.
Protein change: p.Trp178Ter; replaces tryptophan 178 with a stop codon.
Molecular consequence: nonsense. On other transcripts: 5 prime UTR variant (1).
Genome position (GRCh38, 1-based): chr10:124,405,551, C>T on the plus strand (G>A on the coding strand, the complement: OAT is on the minus strand). VCF-style: chr10-124405551-C-T. GRCh37 (hg19) VCF-style: chr10-126094120-C-T.
Other names: c.119G>A, p.Trp40Ter (NM_001171814.2); c.533G>A, p.Trp178Ter (NM_001322965.2, NM_001322966.2, NM_001322967.2 and 3 more transcripts); c.212G>A, p.Trp71Ter (NM_001322971.2); c.-68G>A (NM_001322974.2); short protein forms W178*, W40*, W71*.
Identifiers: ClinVar variation 179 (VCV000000179.5), dbSNP rs267606923, ClinGen allele CA114006.

ClinVar aggregate classification (germline): Pathogenic. Review status: criteria provided, multiple submitters, no conflicts (2 of 4 stars). 3 submissions from 3 submitters: Pathogenic (2). 1 of the submissions does not count toward it. Last evaluated 2024-05-14.

Conditions:
Ornithine aminotransferase deficiency (GACR). Also called: OAT DEFICIENCY; HYPERORNITHINEMIA WITH GYRATE ATROPHY OF CHOROID AND RETINA; Ornithine ketoacid aminotransferase deficiency; Gyrate atrophy; Gyrate atrophy of choroid and retina; Girate atrophy of the retina. Identifiers: Orphanet 414, MedGen C0018425, MONDO:0009796, OMIM 258870.

Allele frequency attached by ClinVar (database versions not stated): TOPMed below 0.00001; gnomAD exomes below 0.00001.
gnomAD v4.1: 1 of 1,613,826 alleles (0.000062%); highest among the groups gnomAD compares: Non-Finnish European, 0.000085%; no homozygotes.

Submissions (3):

Myriad Genetics, Inc.
Classification: Pathogenic for Ornithine aminotransferase deficiency. Last evaluated: 2024-05-14. Review status: criteria provided, single submitter. Criteria: Myriad Autosomal Dominant, Autosomal Recessive and X-Linked Classification Criteria (2023). Collection method: clinical testing. Allele origin: unknown.
Comment: NM_000274.3(OAT):c.533G>A(W178*) is expected to be pathogenic in the context of ornithine aminotransferase deficiency. This variant is predicted to lead to an abnormal or absent protein product due to the creation of a premature termination codon in OAT, a gene where loss-of-function variants are known to be pathogenic. Please note: this variant was assessed in the context of healthy population screening.

Labcorp Genetics (formerly Invitae), Labcorp
Classification: Pathogenic for Ornithine aminotransferase deficiency. Last evaluated: 2023-03-08. Review status: criteria provided, single submitter. Criteria: Invitae Variant Classification Sherloc (09022015). Collection method: clinical testing. Allele origin: germline.
Comment: This sequence change creates a premature translational stop signal (p.Trp178*) in the OAT gene. It is expected to result in an absent or disrupted protein product. Loss-of-function variants in OAT are known to be pathogenic (PMID: 1737786, 23076989). This variant is not present in population databases (gnomAD no frequency). This variant has not been reported in the literature in individuals affected with OAT-related conditions. ClinVar contains an entry for this variant (Variation ID: 179). For these reasons, this variant has been classified as Pathogenic.

OMIM
Classification: Pathogenic for GYRATE ATROPHY OF CHOROID AND RETINA. Last evaluated: 1993-01-29. Review status: no assertion criteria provided. Collection method: literature only. Allele origin: germline. Not counted in ClinVar's aggregate classification.

Literature cited by the submitters: PubMed 1737786 (cited by Labcorp Genetics (formerly Invitae), Labcorp); PubMed 23076989 (cited by Labcorp Genetics (formerly Invitae), Labcorp); PubMed 8430317 (cited by OMIM).